The following is an entry in ClinVar:

NM_000038.6(APC):c.1286C>T (p.Pro429Leu)

Gene: APC (APC regulator of Wnt signaling pathway; plus strand). Cytogenetic location: 5q22.2.
Variant type: single nucleotide variant.
Coding change: c.1286C>T on transcript NM_000038.6 (MANE Select); coding-DNA position 1286, C replaced by T.
Protein change: p.Pro429Leu; replaces proline 429 with leucine.
Molecular consequence: missense variant.
Genome position (GRCh38, 1-based): chr5:112,819,318, C>T. VCF-style: chr5-112819318-C-T. GRCh37 (hg19) VCF-style: chr5-112155015-C-T.
Other names: c.1286C>T, p.Pro429Leu (NM_001127510.3, NM_001354895.2, NM_001354896.2); c.1232C>T, p.Pro411Leu (NM_001127511.3); c.1316C>T, p.Pro439Leu (NM_001354897.2); c.1211C>T, p.Pro404Leu (NM_001354898.2); c.1202C>T, p.Pro401Leu (NM_001354899.2); c.1109C>T, p.Pro370Leu (NM_001354900.2, NM_001354901.2); c.1013C>T, p.Pro338Leu (NM_001354902.2); c.983C>T, p.Pro328Leu (NM_001354903.2); and 3 more; short protein forms P429L, P411L, P146L, P401L, P303L, P338L, P370L, P269L.
Identifiers: ClinVar variation 411413 (VCV000411413.18), dbSNP rs1003390887, ClinGen allele CA16024124.

ClinVar aggregate classification (germline): Uncertain significance. Review status: criteria provided, multiple submitters, no conflicts (2 of 4 stars). 5 submissions from 5 submitters: Uncertain significance (5). Last evaluated 2025-04-30.

Conditions:
Hereditary cancer-predisposing syndrome. Also called: Tumor predisposition; Hereditary Cancer Syndrome; Hereditary neoplastic syndrome; Neoplastic Syndromes, Hereditary. Identifiers: Orphanet 140162, MedGen C0027672, MeSH D009386, MONDO:0015356.
Familial adenomatous polyposis 1 (FAP1). Also called: FAMILIAL ADENOMATOUS POLYPOSIS 1, ATTENUATED; POLYPOSIS, ADENOMATOUS INTESTINAL. Identifiers: MedGen C2713442, MONDO:0021056, OMIM 175100. Disease mechanism: loss of function.

Allele frequency attached by ClinVar (database versions not stated): gnomAD 0.00001; TOPMed 0.00001.
gnomAD v4.1: 3 of 1,613,900 alleles (0.00019%); highest among the groups gnomAD compares: Non-Finnish European, 0.00025%; no homozygotes.

Submissions (5):

Labcorp Genetics (formerly Invitae), Labcorp
Classification: Uncertain significance for Familial adenomatous polyposis 1. Last evaluated: 2025-04-30. Review status: criteria provided, single submitter. Criteria: Invitae Variant Classification Sherloc (09022015). Collection method: clinical testing. Allele origin: germline.
Comment: This sequence change replaces proline, which is neutral and non-polar, with leucine, which is neutral and non-polar, at codon 429 of the APC protein (p.Pro429Leu). This variant is not present in population databases (gnomAD no frequency). This variant has not been reported in the literature in individuals affected with APC-related conditions. ClinVar contains an entry for this variant (Variation ID: 411413). Invitae Evidence Modeling of protein sequence and biophysical properties (such as structural, functional, and spatial information, amino acid conservation, physicochemical variation, residue mobility, and thermodynamic stability) indicates that this missense variant is not expected to disrupt APC protein function with a negative predictive value of 95%. In summary, the available evidence is currently insufficient to determine the role of this variant in disease. Therefore, it has been classified as a Variant of Uncertain Significance.

Ambry Genetics
Classification: Uncertain significance for Hereditary cancer-predisposing syndrome. Last evaluated: 2023-12-17. Review status: criteria provided, single submitter. Criteria: Ambry Variant Classification Scheme 2023. Collection method: clinical testing. Allele origin: germline.
Comment: The p.P429L variant (also known as c.1286C>T), located in coding exon 9 of the APC gene, results from a C to T substitution at nucleotide position 1286. The proline at codon 429 is replaced by leucine, an amino acid with similar properties. This amino acid position is not well conserved in available vertebrate species. In addition, in silico predictors for this gene do not accurately predict pathogenicity. Since supporting evidence is limited at this time, the clinical significance of this alteration remains unclear.

Women's Health and Genetics/Laboratory Corporation of America, LabCorp
Classification: Uncertain significance. Last evaluated: 2019-09-20. Review status: criteria provided, single submitter. Criteria: LabCorp Variant Classification Summary - May 2015. Collection method: clinical testing. Allele origin: germline.
Comment: Variant summary: APC c.1286C>T (p.Pro429Leu) results in a non-conservative amino acid change located in the Adenomatous polyposis coli (APC) repeat (IPR041257) of the encoded protein sequence. Four of five in-silico tools predict a benign effect of the variant on protein function. The variant was absent in 250774 control chromosomes (gnomAD). The available data on variant occurrences in the general population are insufficient to allow any conclusion about variant significance. To our knowledge, no occurrence of c.1286C>T in individuals affected with Familial Adenomatous Polyposis and no experimental evidence demonstrating an impact on protein function have been reported. Three ClinVar submitters (evaluation after 2014) cite the variant as uncertain significance. Based on the evidence outlined above, the variant was classified as uncertain significance.

Color Diagnostics, LLC DBA Color Health
Classification: Uncertain significance for Hereditary cancer-predisposing syndrome. Last evaluated: 2019-07-30. Review status: criteria provided, single submitter. Criteria: ACMG Guidelines, 2015. Collection method: clinical testing. Allele origin: germline.
Comment: This missense variant replaces proline with leucine at codon 429 of the APC protein. Computational prediction tools and conservation analyses are inconclusive regarding the impact of this variant on the protein function. Computational splicing tools suggest that this variant may not impact RNA splicing. To our knowledge, functional assays have not been performed for this variant nor has this variant been reported in individuals affected with hereditary cancer in the literature. This variant has not been identified in the general population by the Genome Aggregation Database (gnomAD). Available evidence is insufficient to determine the role of this variant in disease conclusively. Therefore, this variant is classified as a Variant of Uncertain Significance.

GeneDx
Classification: Uncertain significance. Last evaluated: 2017-06-21. Review status: criteria provided, single submitter. Criteria: GeneDx Variant Classification (06012015). Collection method: clinical testing. Allele origin: germline. Affected: yes.
Comment: This variant is denoted APC c.1286C>T at the cDNA level, p.Pro429Leu (P429L) at the protein level,and results in the change of a Proline to a Leucine (CCA>CTA). This variant has not, to our knowledge, beenpublished in the literature as pathogenic or benign. APC Pro429Leu was not observed in large population cohorts(NHLBI Exome Sequencing Project, The 1000 Genomes Consortium 2015, Lek 2016). Since Proline and Leucinediffer in some properties, this is considered a semi-conservative amino acid substitution. APC Pro429Leu occurs at aposition that is not conserved and is not located in a known functional domain. In silico analyses are inconsistentregarding the effect this variant may have on protein structure and function. Based on currently available evidence, it isunclear whether APC Pro429Leu is a pathogenic or benign variant. We consider it to be a variant of uncertainsignificance.